The following is an entry in ClinVar:

ClinVar aggregate classification (germline): Conflicting classifications of pathogenicity. Review status: criteria provided, conflicting classifications (1 of 4 stars). 5 submissions from 5 submitters: Uncertain significance (4); Likely benign (1). Last evaluated 2026-04-15.

Conditions:
LMF1-related disorder. Also called: LMF1-related condition.
Cardiovascular phenotype. Identifiers: MedGen CN230736.

Allele frequency attached by ClinVar (database versions not stated): ESP Exome Variant Server 0.00017; 1000 Genomes Project 30x 0.00031; ExAC 0.00035; gnomAD 0.00035; 1000 Genomes Project 0.00040; TOPMed 0.00051.
gnomAD v4.1: 356 of 1,594,406 alleles (0.022%); highest among the groups gnomAD compares: Admixed American, 0.14%; no homozygotes.

Submissions (5):

PreventionGenetics, part of Exact Sciences
Classification: Uncertain significance for LMF1-related condition. Last evaluated: 2026-04-15. Review status: criteria provided, single submitter. Criteria: ACMG Guidelines, 2015. Collection method: clinical testing. Allele origin: germline.
Comment: The LMF1 c.1066G>A variant is predicted to result in the amino acid substitution p.Glu356Lys. To our knowledge, this variant has not been reported in the literature. This variant is reported in 0.082% of alleles in individuals of Latino descent in gnomAD. Although we suspect that this variant may be benign, at this time, the clinical significance of this variant is uncertain due to the absence of conclusive functional and genetic evidence.

Ambry Genetics
Classification: Likely benign for Cardiovascular phenotype. Last evaluated: 2025-07-23. Review status: criteria provided, single submitter. Criteria: Ambry Variant Classification Scheme 2023. Collection method: clinical testing. Allele origin: germline.

GeneDx
Classification: Uncertain significance. Last evaluated: 2023-05-19. Review status: criteria provided, single submitter. Criteria: GeneDx Variant Classification Process June 2021. Collection method: clinical testing. Allele origin: germline. Affected: yes.
Comment: In silico analysis supports that this missense variant does not alter protein structure/function; Has not been previously published as pathogenic or benign to our knowledge

Labcorp Genetics (formerly Invitae), Labcorp
Classification: Uncertain significance. Last evaluated: 2022-05-11. Review status: criteria provided, single submitter. Criteria: Invitae Variant Classification Sherloc (09022015). Collection method: clinical testing. Allele origin: germline.
Comment: This sequence change replaces glutamic acid, which is acidic and polar, with lysine, which is basic and polar, at codon 356 of the LMF1 protein (p.Glu356Lys). This variant is present in population databases (rs199615983, gnomAD 0.08%). This variant has not been reported in the literature in individuals affected with LMF1-related conditions. ClinVar contains an entry for this variant (Variation ID: 1300325). Algorithms developed to predict the effect of missense changes on protein structure and function output the following: SIFT: "Tolerated"; PolyPhen-2: "Benign"; Align-GVGD: "Class C0". The lysine amino acid residue is found in multiple mammalian species, which suggests that this missense change does not adversely affect protein function. In summary, the available evidence is currently insufficient to determine the role of this variant in disease. Therefore, it has been classified as a Variant of Uncertain Significance.

Breakthrough Genomics
Classification: Uncertain significance. Review status: criteria provided, single submitter. Criteria: ACMG Guidelines, 2015. Collection method: not provided. Allele origin: germline. Inheritance: Autosomal recessive inheritance. Affected: yes.

NM_022773.4(LMF1):c.1066G>A (p.Glu356Lys)

Gene: LMF1 (lipase maturation factor 1; minus strand). Cytogenetic location: 16p13.3.
Variant type: single nucleotide variant.
Coding change: c.1066G>A on transcript NM_022773.4 (MANE Select); coding-DNA position 1066, G replaced by A.
Protein change: p.Glu356Lys; replaces glutamic acid 356 with lysine.
Molecular consequence: missense variant. On other transcripts: non-coding transcript variant (1).
Genome position (GRCh38, 1-based): chr16:871,173, C>T on the plus strand (G>A on the coding strand, the complement: LMF1 is on the minus strand). VCF-style: chr16-871173-C-T. GRCh37 (hg19) VCF-style: chr16-921173-C-T.
Other names: c.1066G>A (NM_022773.2); c.415G>A, p.Glu139Lys (NM_001352017.2, NM_001352021.2); c.667G>A, p.Glu223Lys (NM_001352018.2); c.739G>A, p.Glu247Lys (NM_001352019.2); c.1066G>A, p.Glu356Lys (NM_001352020.1); short protein forms E139K, E223K, E247K, E356K.
Identifiers: ClinVar variation 1300325 (VCV001300325.8), dbSNP rs199615983, ClinGen allele CA7797225.